The following is an entry in ClinVar:

ClinVar aggregate classification (germline): Pathogenic. Review status: criteria provided, multiple submitters, no conflicts (2 of 4 stars). 2 submissions from 2 submitters: Pathogenic (2). Last evaluated 2023-08-15.

Conditions:
Glutaric aciduria, type 1. Also called: GA I; Glutaryl-CoA dehydrogenase deficiency; Glutaric Acidemia Type 1; Glutaric acidemia type I; Glutaricacidemia Type 1; Glutaricaciduria, type I. Identifiers: Orphanet 25, MedGen C0268595, MONDO:0009281, OMIM 231670.

Submissions (2):

Baylor Genetics
Classification: Pathogenic for Glutaric aciduria, type 1. Last evaluated: 2023-08-15. Review status: criteria provided, single submitter. Criteria: ACMG Guidelines, 2015. Collection method: clinical testing. Allele origin: unknown.

Labcorp Genetics (formerly Invitae), Labcorp
Classification: Pathogenic for Glutaric aciduria, type 1. Last evaluated: 2023-08-03. Review status: criteria provided, single submitter. Criteria: Invitae Variant Classification Sherloc (09022015). Collection method: clinical testing. Allele origin: germline.
Comment: For these reasons, this variant has been classified as Pathogenic. This variant has not been reported in the literature in individuals affected with GCDH-related conditions. This variant is not present in population databases (gnomAD no frequency). This sequence change creates a premature translational stop signal (p.Gln321*) in the GCDH gene. It is expected to result in an absent or disrupted protein product. Loss-of-function variants in GCDH are known to be pathogenic (PMID: 10699052, 11854167, 16602100).

Literature cited by the submitters: PubMed 10699052 (cited by Labcorp Genetics (formerly Invitae), Labcorp); PubMed 11854167 (cited by Labcorp Genetics (formerly Invitae), Labcorp); PubMed 16602100 (cited by Labcorp Genetics (formerly Invitae), Labcorp).

NM_000159.4(GCDH):c.961C>T (p.Gln321Ter)

Gene: GCDH (glutaryl-CoA dehydrogenase; plus strand). Cytogenetic location: 19p13.13.
Variant type: single nucleotide variant.
Coding change: c.961C>T on transcript NM_000159.4 (MANE Select); coding-DNA position 961, C replaced by T.
Protein change: p.Gln321Ter; replaces glutamine 321 with a stop codon.
Molecular consequence: nonsense. On other transcripts: non-coding transcript variant (2).
Genome position (GRCh38, 1-based): chr19:12,897,307, C>T. VCF-style: chr19-12897307-C-T. GRCh37 (hg19) VCF-style: chr19-13008121-C-T.
Other names: c.961C>T, p.Gln321Ter (NM_013976.5); short protein forms Q321*.
Identifiers: ClinVar variation 2675874 (VCV002675874.4), dbSNP rs773310063, ClinGen allele CA404319764.
Genomic context (GRCh38, chr19:12,897,307, plus strand): 5'-GGACGGGGTGGGAGAGTGGGCCTCCCCTCGCTCTTACCCTGCCATTGCCCATGTAGGATG[C>T]AGTTTGGTGTCCCACTGGCCAGGAACCAGCTGATTCAGAAGAAGCTGGCAGACATGCTCA-3'